The following is an entry in ClinVar:

ClinVar aggregate classification (germline): Uncertain significance. Review status: criteria provided, multiple submitters, no conflicts (2 of 4 stars). 5 submissions from 5 submitters: Uncertain significance (5). Last evaluated 2025-06-18.

Conditions:
Hereditary nonpolyposis colorectal neoplasms. Identifiers: MedGen C0009405, MeSH D003123.
Hereditary cancer-predisposing syndrome. Also called: Hereditary neoplastic syndrome; Neoplastic Syndromes, Hereditary; Tumor predisposition; Hereditary Cancer Syndrome. Identifiers: Orphanet 140162, MedGen C0027672, MeSH D009386, MONDO:0015356.

Allele frequency attached by ClinVar (database versions not stated): TOPMed 0.00001.

Submissions (5):

Labcorp Genetics (formerly Invitae), Labcorp
Classification: Uncertain significance for Hereditary nonpolyposis colorectal neoplasms. Last evaluated: 2025-06-18. Review status: criteria provided, single submitter. Criteria: Invitae Variant Classification Sherloc (09022015). Collection method: clinical testing. Allele origin: germline.
Comment: This sequence change replaces glutamine, which is neutral and polar, with proline, which is neutral and non-polar, at codon 1280 of the MSH6 protein (p.Gln1280Pro). This variant is not present in population databases (gnomAD no frequency). This variant has not been reported in the literature in individuals affected with MSH6-related conditions. ClinVar contains an entry for this variant (Variation ID: 565883). Invitae Evidence Modeling of protein sequence and biophysical properties (such as structural, functional, and spatial information, amino acid conservation, physicochemical variation, residue mobility, and thermodynamic stability) indicates that this missense variant is not expected to disrupt MSH6 protein function with a negative predictive value of 95%. In summary, the available evidence is currently insufficient to determine the role of this variant in disease. Therefore, it has been classified as a Variant of Uncertain Significance.

Center for Genomic Medicine, Rigshospitalet, Copenhagen University Hospital
Classification: Uncertain significance. Last evaluated: 2025-03-04. Review status: criteria provided, single submitter. Criteria: ACMG Guidelines, 2015. Collection method: clinical testing. Allele origin: germline.

GeneDx
Classification: Uncertain significance. Last evaluated: 2025-01-31. Review status: criteria provided, single submitter. Criteria: GeneDx Variant Classification Process June 2021. Collection method: clinical testing. Allele origin: germline. Affected: yes.
Comment: Not observed at significant frequency in large population cohorts (gnomAD); In silico analysis supports that this missense variant has a deleterious effect on protein structure/function; Has not been previously published as pathogenic or benign to our knowledge; This variant is associated with the following publications: (PMID: 17531815, 21120944)

Ambry Genetics
Classification: Uncertain significance for Hereditary cancer-predisposing syndrome. Last evaluated: 2023-11-30. Review status: criteria provided, single submitter. Criteria: Ambry Variant Classification Scheme 2023. Collection method: clinical testing. Allele origin: germline.
Comment: The p.Q1280P variant (also known as c.3839A>C), located in coding exon 9 of the MSH6 gene, results from an A to C substitution at nucleotide position 3839. The glutamine at codon 1280 is replaced by proline, an amino acid with similar properties. This amino acid position is highly conserved in available vertebrate species. In addition, this alteration is predicted to be deleterious by in silico analysis. Since supporting evidence is limited at this time, the clinical significance of this alteration remains unclear.

Quest Diagnostics Nichols Institute San Juan Capistrano
Classification: Uncertain significance. Last evaluated: 2018-02-19. Review status: criteria provided, single submitter. Criteria: Quest Diagnostics criteria. Collection method: clinical testing. Allele origin: germline.

NM_000179.3(MSH6):c.3839A>C (p.Gln1280Pro)

Gene: MSH6 (mutS homolog 6; plus strand). Cytogenetic location: 2p16.3.
Variant type: single nucleotide variant.
Coding change: c.3839A>C on transcript NM_000179.3 (MANE Select); coding-DNA position 3839, A replaced by C.
Protein change: p.Gln1280Pro; replaces glutamine 1280 with proline.
Molecular consequence: missense variant.
Genome position (GRCh38, 1-based): chr2:47,806,489, A>C. VCF-style: chr2-47806489-A-C. GRCh37 (hg19) VCF-style: chr2-48033628-A-C.
Other names: c.3449A>C, p.Gln1150Pro (NM_001281492.2); c.2933A>C, p.Gln978Pro (NM_001281493.2, NM_001281494.2); short protein forms Q1280P, Q1150P, Q978P.
Identifiers: ClinVar variation 565883 (VCV000565883.15), dbSNP rs1210663110, ClinGen allele CA346761289.